The following is an entry in ClinVar:

ClinVar aggregate classification (germline): Uncertain significance (1 of 4 stars; one submission).

Conditions:
Fanconi anemia (FA). Also called: Fanconi's anemia. Identifiers: Orphanet 84, MedGen C0015625, MeSH D005199, MONDO:0019391.

Allele frequency attached by ClinVar (database versions not stated): TOPMed below 0.00001; gnomAD 0.00001.

Submission:

Labcorp Genetics (formerly Invitae), Labcorp
Classification: Uncertain significance for Fanconi anemia. Last evaluated: 2024-09-19. Review status: criteria provided, single submitter. Criteria: Invitae Variant Classification Sherloc (09022015). Collection method: clinical testing. Allele origin: germline.
Comment: This variant, c.2820_2852del, is a complex sequence change that results in the deletion of 12 and insertion of 1 amino acid(s) in the FANCI protein (p.Glu940_Val951delinsAsp). This variant is not present in population databases (gnomAD no frequency). This variant has not been reported in the literature in individuals affected with FANCI-related conditions. ClinVar contains an entry for this variant (Variation ID: 956169). Experimental studies and prediction algorithms are not available or were not evaluated, and the functional significance of this variant is currently unknown. In summary, the available evidence is currently insufficient to determine the role of this variant in disease. Therefore, it has been classified as a Variant of Uncertain Significance.

NM_001113378.2(FANCI):c.2820_2852del (p.Glu940_Val951delinsAsp)

Gene: FANCI (FA complementation group I; plus strand). Cytogenetic location: 15q26.1.
Variant type: Deletion.
Coding change: c.2820_2852del on transcript NM_001113378.2 (MANE Select); coding-DNA positions 2820 to 2852, 33 bases deleted.
Protein change: p.Glu940_Val951delinsAsp.
Molecular consequence: inframe indel.
Genome position (GRCh38, 1-based): chr15:89,300,316-89,300,348, 33 bases deleted. GRCh37 (hg19): chr15:89,843,547-89,843,579.
Other names: c.2541_2573del, p.Glu847_Val858delinsAsp (NM_001376910.1); c.2820_2852del, p.Glu940_Val951delinsAsp (NM_001376911.1); c.2640_2672del, p.Glu880_Val891delinsAsp (NM_018193.3).
Identifiers: ClinVar variation 956169 (VCV000956169.9), dbSNP rs1184165155, ClinGen allele CA716865337.